The following is an entry in ClinVar:

NM_000051.4(ATM):c.1767A>G (p.Leu589=)

Gene: ATM (ATM serine/threonine kinase; plus strand). Cytogenetic location: 11q22.3.
Variant type: single nucleotide variant.
Coding change: c.1767A>G on transcript NM_000051.4 (MANE Select); coding-DNA position 1767, A replaced by G.
Protein change: p.Leu589=; no amino-acid change (leucine 589 retained).
Molecular consequence: synonymous variant.
Genome position (GRCh38, 1-based): chr11:108,251,996, A>G. VCF-style: chr11-108251996-A-G. GRCh37 (hg19) VCF-style: chr11-108122723-A-G.
Other names: c.1767A>G, p.Leu589= (NM_001351834.2).
Identifiers: ClinVar variation 3254046 (VCV003254046.1), dbSNP rs2135343677.

ClinVar aggregate classification (germline): Benign (1 of 4 stars; one submission).

Conditions:
Familial cancer of breast. Also called: BREAST CANCER, FAMILIAL; Hereditary breast cancer; hereditary breast carcinoma. Identifiers: Orphanet 227535, MedGen C0346153, MONDO:0016419, OMIM 114480. Disease mechanism: loss of function.

Allele frequency attached by ClinVar (database versions not stated): gnomAD exomes below 0.00001.
gnomAD v4.1: 1 of 1,613,376 alleles (0.000062%); highest among the groups gnomAD compares: Non-Finnish European, 0.000085%; no homozygotes.

Submission:

Myriad Genetics, Inc.
Classification: Benign for Familial cancer of breast. Last evaluated: 2024-05-01. Review status: criteria provided, single submitter. Criteria: Myriad Autosomal Dominant, Autosomal Recessive and X-Linked Classification Criteria (2023). Collection method: clinical testing. Allele origin: unknown.
Comment: This variant is considered benign. This variant is a silent/synonymous amino acid change and it is not expected to impact splicing.